The following is an entry in ClinVar:

ClinVar aggregate classification (germline): Uncertain significance (1 of 4 stars; one submission).

Conditions:
Charcot-Marie-Tooth disease type 2R. Also called: CHARCOT-MARIE-TOOTH DISEASE, AXONAL, AUTOSOMAL RECESSIVE, TYPE 2R; Charcot-Marie-Tooth disease, axonal, type 2R; CHARCOT-MARIE-TOOTH NEUROPATHY, TYPE 2R. Identifiers: Orphanet 397968, MedGen C3809655, MONDO:0014208, OMIM 615490.

gnomAD v4.1: 1 of 1,612,122 alleles (0.000062%); no homozygotes.

Submission:

Labcorp Genetics (formerly Invitae), Labcorp
Classification: Uncertain significance for Charcot-Marie-Tooth disease type 2R. Last evaluated: 2022-10-10. Review status: criteria provided, single submitter. Criteria: Invitae Variant Classification Sherloc (09022015). Collection method: clinical testing. Allele origin: germline.
Comment: In summary, the available evidence is currently insufficient to determine the role of this variant in disease. Therefore, it has been classified as a Variant of Uncertain Significance. Algorithms developed to predict the effect of missense changes on protein structure and function are either unavailable or do not agree on the potential impact of this missense change (SIFT: "Deleterious"; PolyPhen-2: "Probably Damaging"; Align-GVGD: "Class C0"). This variant has not been reported in the literature in individuals affected with TRIM2-related conditions. This variant is not present in population databases (gnomAD no frequency). This sequence change replaces isoleucine, which is neutral and non-polar, with methionine, which is neutral and non-polar, at codon 683 of the TRIM2 protein (p.Ile683Met).

NM_015271.5(TRIM2):c.2130C>G (p.Ile710Met)

Gene: TRIM2 (tripartite motif containing 2; plus strand). Cytogenetic location: 4q31.3.
Variant type: single nucleotide variant.
Coding change: c.2130C>G on transcript NM_015271.5 (MANE Select); coding-DNA position 2130, C replaced by G.
Protein change: p.Ile710Met; replaces isoleucine 710 with methionine.
Molecular consequence: missense variant.
Genome position (GRCh38, 1-based): chr4:153,328,637, C>G. VCF-style: chr4-153328637-C-G. GRCh37 (hg19) VCF-style: chr4-154249789-C-G.
Other names: c.2049C>G, p.Ile683Met (NM_001130067.2, NM_001375512.1, NM_001375513.1 and 4 more transcripts); c.2115C>G, p.Ile705Met (NM_001351054.2); c.2112C>G, p.Ile704Met (NM_001351055.2); c.2061C>G, p.Ile687Met (NM_001351056.2); c.1674C>G, p.Ile558Met (NM_001351057.2); c.2223C>G, p.Ile741Met (NM_001375488.1); c.2220C>G, p.Ile740Met (NM_001375489.1); c.2073C>G, p.Ile691Met (NM_001375490.1); and 4 more; short protein forms I558M, I597M, I598M, I599M, I683M, I687M, I690M, I691M.
Identifiers: ClinVar variation 1721380 (VCV001721380.5), dbSNP rs1770762606, ClinGen allele CA358470900.